The following is an entry in ClinVar:

ClinVar aggregate classification (germline): Uncertain significance. Review status: criteria provided, multiple submitters, no conflicts (2 of 4 stars). 3 submissions from 3 submitters: Uncertain significance (3). Last evaluated 2026-04-13.

Conditions:
Bardet-Biedl syndrome 4 (BBS4). Identifiers: Orphanet 110, MedGen C2936864, MONDO:0014433, OMIM 615982.
BBS4-related disorder. Also called: BBS4-related condition.
Inborn genetic diseases. Identifiers: MedGen C0950123, MeSH D030342.

Allele frequency attached by ClinVar (database versions not stated): ExAC 0.00008.
gnomAD v4.1: 18 of 1,613,802 alleles (0.0011%); highest among the groups gnomAD compares: East Asian, 0.022%; no homozygotes.

Submissions (3):

PreventionGenetics, part of Exact Sciences
Classification: Uncertain significance for BBS4-related condition. Last evaluated: 2026-04-13. Review status: criteria provided, single submitter. Criteria: ACMG Guidelines, 2015. Collection method: clinical testing. Allele origin: germline.
Comment: The BBS4 c.439T>C variant is predicted to result in the amino acid substitution p.Tyr147His. To our knowledge, this variant has not been reported in the literature. This variant is reported in 0.065% of alleles in individuals of East Asian descent in gnomAD. Although we suspect that this variant may be benign, at this time, the clinical significance of this variant is uncertain due to the absence of conclusive functional and genetic evidence.

Fulgent Genetics
Classification: Uncertain significance for Bardet-Biedl syndrome 4. Last evaluated: 2024-01-02. Review status: criteria provided, single submitter. Criteria: ACMG Guidelines, 2015. Collection method: clinical testing. Allele origin: germline.

Ambry Genetics
Classification: Uncertain significance for Inborn genetic diseases. Last evaluated: 2023-07-11. Review status: criteria provided, single submitter. Criteria: Ambry Variant Classification Scheme 2023. Collection method: clinical testing. Allele origin: germline.

NM_033028.5(BBS4):c.439T>C (p.Tyr147His)

Gene: BBS4 (Bardet-Biedl syndrome 4; plus strand). Cytogenetic location: 15q24.1.
Variant type: single nucleotide variant.
Coding change: c.439T>C on transcript NM_033028.5 (MANE Select); coding-DNA position 439, T replaced by C.
Protein change: p.Tyr147His; replaces tyrosine 147 with histidine.
Molecular consequence: missense variant. On other transcripts: non-coding transcript variant (2), 5 prime UTR variant (1).
Genome position (GRCh38, 1-based): chr15:72,722,827, T>C. VCF-style: chr15-72722827-T-C. GRCh37 (hg19) VCF-style: chr15-73015168-T-C.
Other names: c.439T>C, p.Tyr147His (NM_001320665.2); c.-78T>C (NM_001252678.2); c.439T>C (NM_033028.4); short protein forms Y147H.
Identifiers: ClinVar variation 2603341 (VCV002603341.4), dbSNP rs781691906, ClinGen allele CA7646628.